The following is an entry in ClinVar:

ClinVar aggregate classification (germline): Pathogenic (1 of 4 stars; one submission).

Conditions:
Curry-Hall syndrome (WAD). Also called: WEYERS ACRODENTAL DYSOSTOSIS. Identifiers: Orphanet 952, MedGen C0457013, MONDO:0008673, OMIM 193530.
Ellis-van Creveld syndrome (EVC). Also called: EVC-Related Ellis-van Creveld Syndrome; EVC2-Related Ellis-van Creveld Syndrome; MESOECTODERMAL DYSPLASIA; Chondroectodermal dysplasia. Identifiers: Orphanet 289, MedGen C0013903, MONDO:0009162, OMIM 225500.

Submission:

Labcorp Genetics (formerly Invitae), Labcorp
Classification: Pathogenic for Curry-Hall syndrome; Ellis-van Creveld syndrome. Last evaluated: 2022-06-09. Review status: criteria provided, single submitter. Criteria: Invitae Variant Classification Sherloc (09022015). Collection method: clinical testing. Allele origin: germline.
Comment: This sequence change creates a premature translational stop signal (p.Lys241*) in the EVC gene. It is expected to result in an absent or disrupted protein product. Loss-of-function variants in EVC are known to be pathogenic (PMID: 23220543). This variant is not present in population databases (gnomAD no frequency). This variant has not been reported in the literature in individuals affected with EVC-related conditions. ClinVar contains an entry for this variant (Variation ID: 1069802). For these reasons, this variant has been classified as Pathogenic.

Literature cited by the submitters: PubMed 23220543.

NM_153717.3(EVC):c.720dup (p.Lys241Ter)

Gene: EVC (EvC ciliary complex subunit 1; plus strand). Cytogenetic location: 4p16.2.
Variant type: Duplication.
Coding change: c.720dup on transcript NM_153717.3 (MANE Select); coding-DNA position 720, one base duplicated (T; older notation c.720dupT).
Protein change: p.Lys241Ter; replaces lysine 241 with a stop codon.
Molecular consequence: nonsense.
Genome position (GRCh38, 1-based): chr4:5,741,733, T duplicated; the last of 5 consecutive T bases (chr4:5,741,729-5,741,733); duplicating any one gives the same sequence. VCF-style (leftmost placement, unchanged base first): chr4-5741728-A-AT. GRCh37 (hg19) VCF-style: chr4-5743455-A-AT.
Other names: c.720dup, p.Lys241Ter (NM_001306090.2, NM_001306092.2); short protein forms K241*.
Identifiers: ClinVar variation 1069802 (VCV001069802.8), dbSNP rs1553871764, ClinGen allele CA2499217303.